The following is an entry in ClinVar:

ClinVar aggregate classification (germline): Pathogenic/Likely pathogenic. Review status: criteria provided, multiple submitters, no conflicts (2 of 4 stars). 5 submissions from 5 submitters: Pathogenic (2); Likely pathogenic (1). 2 of the submissions do not count toward it. Last evaluated 2025-06-29.

Conditions:
Walker-Warburg congenital muscular dystrophy. Also called: Muscular dystrophy-dystroglycanopathy, type A; Walker-Warburg syndrome. Identifiers: Orphanet 899, MedGen C0265221, MONDO:0000171.
Muscular dystrophy-dystroglycanopathy (congenital with brain and eye anomalies), type A5. Also called: MUSCULAR DYSTROPHY-DYSTROGLYCANOPATHY (CONGENITAL WITH BRAIN AND EYE ANOMALIES), TYPE A, 5; WALKER-WARBURG SYNDROME OR MUSCLE-EYE-BRAIN DISEASE, FKRP-RELATED. Identifiers: Orphanet 588, Orphanet 899, MedGen C3150413, MONDO:0013157, OMIM 613153.
Autosomal recessive limb-girdle muscular dystrophy type 2I. Also called: MUSCULAR DYSTROPHY-DYSTROGLYCANOPATHY, LIMB-GIRDLE, FRKP-RELATED; MUSCULAR DYSTROPHY-DYSTROGLYCANOPATHY (LIMB-GIRDLE), TYPE C, 5; MUSCULAR DYSTROPHY, LIMB-GIRDLE, TYPE 2I. Identifiers: Orphanet 34515, MedGen C1846672, MONDO:0011787, OMIM 607155.

Submissions (5):

Labcorp Genetics (formerly Invitae), Labcorp
Classification: Pathogenic for Walker-Warburg congenital muscular dystrophy. Last evaluated: 2025-06-29. Review status: criteria provided, single submitter. Criteria: Invitae Variant Classification Sherloc (09022015). Collection method: clinical testing. Allele origin: germline.
Comment: This sequence change creates a premature translational stop signal (p.Ala381Glyfs*9) in the FKRP gene. While this is not anticipated to result in nonsense mediated decay, it is expected to disrupt the last 115 amino acid(s) of the FKRP protein. This variant is not present in population databases (gnomAD no frequency). This premature translational stop signal has been observed in individual(s) with limb girdle muscular dystrophy (PMID: 26436962). This variant is also known as c.1140_1141insG. ClinVar contains an entry for this variant (Variation ID: 556419). This variant disrupts a region of the FKRP protein in which other variant(s) (p.Ser385*) have been determined to be pathogenic (PMID: 11592034, 12666124, 12707425, 14742276). This suggests that this is a clinically significant region of the protein, and that variants that disrupt it are likely to be disease-causing. For these reasons, this variant has been classified as Pathogenic.

Baylor Genetics
Classification: Pathogenic for Muscular dystrophy-dystroglycanopathy (congenital with brain and eye anomalies), type A5. Last evaluated: 2022-11-11. Review status: criteria provided, single submitter. Criteria: ACMG Guidelines, 2015. Collection method: clinical testing. Allele origin: unknown.

GeneDx
Classification: Likely pathogenic. Last evaluated: 2022-02-17. Review status: criteria provided, single submitter. Criteria: GeneDx Variant Classification Process June 2021. Collection method: clinical testing. Allele origin: germline. Affected: yes.
Comment: Observed with a second FKRP variant in multiple individuals described with limb-girdle muscular dystrophy, although it is not known if the second FKRP variant is on the opposite allele (in trans) or on the same allele (in cis) (Ghaoui R et al., 2015; Song D et al., 2021); Frameshift variant predicted to result in protein truncation, as the last 115 amino acids are replaced with 8 different amino acids, and other loss-of-function variants have been reported downstream in HGMD.; Not observed at significant frequency in large population cohorts (gnomAD); This variant is associated with the following publications: (PMID: 27439679, 26436962, 33200426)

Natera, Inc.
Classification: Pathogenic for Limb-girdle muscular dystrophy type 2I. Last evaluated: 2021-03-03. Review status: no assertion criteria provided. Collection method: clinical testing. Allele origin: germline. Not counted in ClinVar's aggregate classification.

Counsyl
Classification: Likely pathogenic for Autosomal recessive limb-girdle muscular dystrophy type 2I. Last evaluated: 2018-02-05. Review status: no assertion criteria provided. Collection method: clinical testing. Allele origin: unknown. Not counted in ClinVar's aggregate classification.

Literature cited by the submitters: PubMed 26436962 (cited by Labcorp Genetics (formerly Invitae), Labcorp and Counsyl); PubMed 11592034 (cited by Labcorp Genetics (formerly Invitae), Labcorp); PubMed 12666124 (cited by Labcorp Genetics (formerly Invitae), Labcorp); PubMed 12707425 (cited by Labcorp Genetics (formerly Invitae), Labcorp); PubMed 14742276 (cited by Labcorp Genetics (formerly Invitae), Labcorp).

NM_024301.5(FKRP):c.1141dup (p.Ala381fs)

Gene: FKRP (fukutin related protein; plus strand). Cytogenetic location: 19q13.32.
Variant type: Duplication.
Coding change: c.1141dup on transcript NM_024301.5 (MANE Select); coding-DNA position 1141, one base duplicated (G; older notation c.1141dupG).
Protein change: p.Ala381fs; shifts the reading frame from alanine 381.
Molecular consequence: frameshift variant.
Genome position (GRCh38, 1-based): chr19:46,756,591, G duplicated; the last of 6 consecutive G bases (chr19:46,756,586-46,756,591); duplicating any one gives the same sequence. VCF-style (leftmost placement, unchanged base first): chr19-46756585-C-CG. GRCh37 (hg19) VCF-style: chr19-47259842-C-CG.
Other names: c.1141dup, p.Ala381fs (NM_001039885.3); c.1141dup (NM_024301.4); c.1141dupG (NM_024301.4); short protein forms A381fs.
Identifiers: ClinVar variation 556419 (VCV000556419.14), dbSNP rs754403441, ClinGen allele CA9532248.
Genomic context (GRCh38, chr19:46,756,585, plus strand): 5'-TGGGACTACGACGTGGACCTGGGCATCTACTTGGAGGACGTGGGCAACTGCGAGCAGCTG[C>CG]GGGGGGCAGAGGCCGGCTCGGTGGTGGATGAGCGCGGCTTCGTATGGGAGAAGGCGGTCG-3'